The following is an entry in ClinVar:

NM_003680.4(YARS1):c.1008G>A (p.Leu336=)

Gene: YARS1 (tyrosyl-tRNA synthetase 1; minus strand). Cytogenetic location: 1p35.1.
Variant type: single nucleotide variant.
Coding change: c.1008G>A on transcript NM_003680.4 (MANE Select); coding-DNA position 1008, G replaced by A.
Protein change: p.Leu336=; no amino-acid change (leucine 336 retained).
Molecular consequence: synonymous variant.
Genome position (GRCh38, 1-based): chr1:32,782,438, C>T on the plus strand (G>A on the coding strand, the complement: YARS1 is on the minus strand). VCF-style: chr1-32782438-C-T. GRCh37 (hg19) VCF-style: chr1-33248039-C-T.
Other names: p.Leu336=.
Identifiers: ClinVar variation 391219 (VCV000391219.26), dbSNP rs140232925, ClinGen allele CA745030.

ClinVar aggregate classification (germline): Benign/Likely benign. Review status: criteria provided, multiple submitters, no conflicts (2 of 4 stars). 7 submissions from 7 submitters: Benign (2); Likely benign (5). Last evaluated 2025-12-31.

Conditions:
Inborn genetic diseases. Identifiers: MedGen C0950123, MeSH D030342.
Charcot-Marie-Tooth disease dominant intermediate C (CMTDIC). Also called: CHARCOT-MARIE-TOOTH NEUROPATHY, DOMINANT INTERMEDIATE C. Identifiers: Orphanet 100045, MedGen C1842237, MONDO:0012012, OMIM 608323.

Allele frequency attached by ClinVar (database versions not stated): gnomAD exomes 0.00004 and 0.00009; ExAC 0.00012; ESP Exome Variant Server 0.00023; TOPMed 0.00032; gnomAD 0.00034; 1000 Genomes Project 0.00040; 1000 Genomes Project 30x 0.00078.
gnomAD v4.1: 108 of 1,614,044 alleles (0.0067%); highest among the groups gnomAD compares: African/African-American, 0.1%; no homozygotes.

Submissions (7):

Labcorp Genetics (formerly Invitae), Labcorp
Classification: Benign for Charcot-Marie-Tooth disease dominant intermediate C. Last evaluated: 2025-12-31. Review status: criteria provided, single submitter. Criteria: Invitae Variant Classification Sherloc (09022015). Collection method: clinical testing. Allele origin: germline.

Women's Health and Genetics/Laboratory Corporation of America, LabCorp
Classification: Likely benign. Last evaluated: 2025-11-25. Review status: criteria provided, single submitter. Criteria: LabCorp Variant Classification Summary - May 2015. Collection method: clinical testing. Allele origin: germline.
Comment: Variant summary: YARS1 c.1008G>A alters a conserved nucleotide resulting in a synonymous change. Consensus agreement among computation tools predict no significant impact on normal splicing. However, these predictions have yet to be confirmed by functional studies. The variant allele was found at a frequency of 0.00011 in 282834 control chromosomes. This frequency is not significantly higher than estimated for disease-causing variants in YARS1, allowing no conclusion about variant significance. To our knowledge, no occurrence of c.1008G>A in individuals affected with YARS1-related conditions and no experimental evidence demonstrating its impact on protein function have been reported. ClinVar contains an entry for this variant (Variation ID: 391219). Based on the evidence outlined above, the variant was classified as likely benign.

Mayo Clinic Laboratories, Mayo Clinic
Classification: Likely benign. Last evaluated: 2025-07-21. Review status: criteria provided, single submitter. Criteria: ACMG Guidelines, 2015. Collection method: clinical testing. Allele origin: germline. Observed: 1 variant allele.
Comment: BS1, BP4, BP7

Ambry Genetics
Classification: Likely benign for Inborn genetic diseases. Last evaluated: 2019-07-11. Review status: criteria provided, single submitter. Criteria: Ambry Variant Classification Scheme 2023. Collection method: clinical testing. Allele origin: germline.

Athena Diagnostics
Classification: Benign. Last evaluated: 2019-01-15. Review status: criteria provided, single submitter. Criteria: Athena Diagnostics Criteria. Collection method: clinical testing. Allele origin: germline.

GeneDx
Classification: Likely benign. Last evaluated: 2018-10-29. Review status: criteria provided, single submitter. Criteria: GeneDx Variant Classification Process June 2021. Collection method: clinical testing. Allele origin: germline. Affected: yes.

ARUP Laboratories, Molecular Genetics and Genomics, ARUP Laboratories
Classification: Likely benign for Charcot-Marie-Tooth disease dominant intermediate C. Last evaluated: 2018-07-31. Review status: criteria provided, single submitter. Criteria: ARUP Molecular Germline Variant Investigation Process. Collection method: clinical testing. Allele origin: germline.